The following is an entry in ClinVar:

ClinVar aggregate classification (germline): Benign (1 of 4 stars; one submission).

Conditions:
Glomuvenous malformation. Also called: GLOMANGIOMAS, MULTIPLE; GLOMUS TUMORS, MULTIPLE; VENOUS MALFORMATIONS WITH GLOMUS CELLS; Familial glomangioma. Identifiers: Orphanet 83454, MedGen C1841984, MONDO:0007672, OMIM 138000.

Allele frequency attached by ClinVar (database versions not stated): gnomAD exomes 0.00012; ExAC 0.00019; 1000 Genomes Project 30x 0.00031; 1000 Genomes Project 0.00040; gnomAD 0.00040 and 0.00042; TOPMed 0.00052; ESP Exome Variant Server 0.00062.
gnomAD v4.1: 109 of 1,603,982 alleles (0.0068%); highest among the groups gnomAD compares: African/African-American, 0.13%; no homozygotes.

Submission:

Illumina Laboratory Services, Illumina
Classification: Benign for Glomuvenous malformation. Last evaluated: 2018-01-12. Review status: criteria provided, single submitter. Criteria: ICSL Variant Classification Criteria 13 December 2019. Collection method: clinical testing. Allele origin: germline.
Comment: This variant was observed in the ICSL laboratory as part of a predisposition screen in an ostensibly healthy population. It had not been previously curated by ICSL or reported in the Human Gene Mutation Database (HGMD: prior to June 1st, 2018), and was therefore a candidate for classification through an automated scoring system. Utilizing variant allele frequency, disease prevalence and penetrance estimates, and inheritance mode, an automated score was calculated to assess if this variant is too frequent to cause the disease. Based on the score and internal cut-off values, a variant classified as benign is not then subjected to further curation. The score for this variant resulted in a classification of benign for this disease.

NM_053274.3(GLMN):c.58G>A (p.Asp20Asn)

Gene: GLMN (glomulin, FKBP associated protein; minus strand). Cytogenetic location: 1p22.1.
Variant type: single nucleotide variant.
Coding change: c.58G>A on transcript NM_053274.3 (MANE Select); coding-DNA position 58, G replaced by A.
Protein change: p.Asp20Asn; replaces aspartic acid 20 with asparagine.
Molecular consequence: missense variant. On other transcripts: non-coding transcript variant (1).
Genome position (GRCh38, 1-based): chr1:92,297,511, C>T on the plus strand (G>A on the coding strand, the complement: GLMN is on the minus strand). VCF-style: chr1-92297511-C-T. GRCh37 (hg19) VCF-style: chr1-92763068-C-T.
Other names: c.58G>A, p.Asp20Asn (NM_001319683.2); short protein forms D20N.
Identifiers: ClinVar variation 876541 (VCV000876541.4), dbSNP rs147537497, ClinGen allele CA950685.